The following is an entry in ClinVar:

ClinVar aggregate classification (germline): Uncertain significance (1 of 4 stars; one submission).

Conditions:
Joubert syndrome 8 (JBTS8). Identifiers: Orphanet 475, MedGen C2676771, MONDO:0012855, OMIM 612291.

Allele frequency attached by ClinVar (database versions not stated): gnomAD exomes 0.00004; ExAC 0.00007.
gnomAD v4.1: 58 of 1,614,004 alleles (0.0036%); highest among the groups gnomAD compares: South Asian, 0.052%; no homozygotes.

Submission:

Labcorp Genetics (formerly Invitae), Labcorp
Classification: Uncertain significance for Joubert syndrome 8. Last evaluated: 2024-06-03. Review status: criteria provided, single submitter. Criteria: Invitae Variant Classification Sherloc (09022015). Collection method: clinical testing. Allele origin: germline.
Comment: This sequence change replaces isoleucine, which is neutral and non-polar, with valine, which is neutral and non-polar, at codon 168 of the ARL13B protein (p.Ile168Val). This variant is present in population databases (rs748838191, gnomAD 0.03%). This variant has not been reported in the literature in individuals affected with ARL13B-related conditions. ClinVar contains an entry for this variant (Variation ID: 1051326). Advanced modeling of protein sequence and biophysical properties (such as structural, functional, and spatial information, amino acid conservation, physicochemical variation, residue mobility, and thermodynamic stability) performed at Invitae indicates that this missense variant is not expected to disrupt ARL13B protein function with a negative predictive value of 80%. In summary, the available evidence is currently insufficient to determine the role of this variant in disease. Therefore, it has been classified as a Variant of Uncertain Significance.

NM_001174150.2(ARL13B):c.502A>G (p.Ile168Val)

Gene: ARL13B (ARF like GTPase 13B; plus strand). Cytogenetic location: 3q11.2.
Variant type: single nucleotide variant.
Coding change: c.502A>G on transcript NM_001174150.2 (MANE Select); coding-DNA position 502, A replaced by G.
Protein change: p.Ile168Val; replaces isoleucine 168 with valine.
Molecular consequence: missense variant. On other transcripts: non-coding transcript variant (2).
Genome position (GRCh38, 1-based): chr3:94,036,567, A>G. VCF-style: chr3-94036567-A-G. GRCh37 (hg19) VCF-style: chr3-93755411-A-G.
Other names: c.193A>G, p.Ile65Val (NM_001174151.2); c.457A>G, p.Ile153Val (NM_001321328.2); c.181A>G, p.Ile61Val (NM_144996.4); c.502A>G, p.Ile168Val (NM_182896.3); short protein forms I153V, I168V, I61V, I65V.
Identifiers: ClinVar variation 1051326 (VCV001051326.3), dbSNP rs748838191, ClinGen allele CA2504086.